The following is an entry in ClinVar:

NM_000552.5(VWF):c.2560C>T (p.Arg854Trp)

Gene: VWF (von Willebrand factor; minus strand). Cytogenetic location: 12p13.31.
Variant type: single nucleotide variant.
Coding change: c.2560C>T on transcript NM_000552.5 (MANE Select); coding-DNA position 2560, C replaced by T.
Protein change: p.Arg854Trp; replaces arginine 854 with tryptophan.
Molecular consequence: missense variant.
Genome position (GRCh38, 1-based): chr12:6,034,813, G>A on the plus strand (C>T on the coding strand, the complement: VWF is on the minus strand). VCF-style: chr12-6034813-G-A. GRCh37 (hg19) VCF-style: chr12-6143979-G-A.
Other names: short protein forms R854W.
Identifiers: ClinVar variation 100228 (VCV000100228.38), dbSNP rs61748482, ClinGen allele CA228351.
Genomic context (GRCh38, chr12:6,034,813, plus strand): 5'-GGGCCATGCCGATCGTGGAGCACGTGGCATCACACACATGGTCTGTGCAGTTCCACTTCC[G>A]GTCCTGACAGACACTAGGAGCAGTCATGGCAGAGATGACAAGTTGGGCACCTTGGGTTTG-3'
Protein context (NP_000543.3, residues 844-864): IGCNTCVCQD[Arg854Trp]KWNCTDHVCD

ClinVar aggregate classification (germline): Likely pathogenic. Review status: criteria provided, multiple submitters, no conflicts (2 of 4 stars). 5 submissions from 5 submitters: Likely pathogenic (3). 2 of the submissions do not count toward it. Last evaluated 2026-08-28.

Conditions:
Hereditary von Willebrand disease. Identifiers: Orphanet 903, MedGen C5703318, MONDO:0019565. Inheritance: Autosomal recessive or Autosomal dominant.
von Willebrand disease type 3 (VWD3). Also called: Type 3 Von Willebrand's disease; Type 3 VWD; Von Willebrand disease, severe form; V WD3; VON WILLEBRAND DISEASE, TYPE III. Identifiers: Orphanet 166096, MedGen C1264041, MONDO:0010191, OMIM 277480.

Allele frequency attached by ClinVar (database versions not stated): gnomAD 0.00001; ExAC 0.00002; gnomAD exomes 0.00002; TOPMed 0.00002.
gnomAD v4.1: 25 of 1,614,078 alleles (0.0015%); highest among the groups gnomAD compares: South Asian, 0.0022%; no homozygotes.

Submissions (5):

GeneDx
Classification: Likely pathogenic. Last evaluated: 2026-08-28. Review status: criteria provided, single submitter. Criteria: GeneDx Variant Classification Process June 2021. Collection method: clinical testing. Allele origin: germline.
Comment: Published functional studies demonstrate a damaging effect with reduced VWF functional activities (PMID: 20586924); In silico analysis supports that this missense variant has a deleterious effect on protein structure/function; This variant is associated with the following publications: (PMID: 25696906, 9684781, 37647632, 19506358, 24675615, 1832934, 15461624, 20586924, 40068324, 40393667)

Laboratory for Molecular Medicine, Mass General Brigham Personalized Medicine
Classification: Likely pathogenic for Hereditary von Willebrand disease. Last evaluated: 2023-02-02. Review status: criteria provided, single submitter. Criteria: ACMG Guidelines, 2015. Collection method: clinical testing. Allele origin: germline.
Comment: The p.Arg854Trp variant in VWF has been reported in >10 individuals with von Willebrand disease (VWD) who were either homozygous or compound heterozygous with a second pathogenic variant, and is most often associated with Type 2N von Willebrand disease (Kasatkar 2014 PMID: 24675615, Michiels 2009 PMID: 1950635, Castaman 2010 PMID: 20586924). It was also identified in 0.001% (1/68048) of European chromosomes by gnomAD, and is reported in ClinVar (Variation ID 100228). In vitro analysis cells suggest the variant results in impaired secretion and activity of the protein (Castaman 2010 PMID: 20586924). Another variant involving this codon (p.Arg854Gln) has been identified in individuals with VWD and is classified as pathogenic by this laboratory. In summary, this variant meets criteria to be classified as pathogenic for autosomal recessive von Willebrand disease. ACMG/AMP Criteria applied: PS3, PM3_Strong, PM5, PM2_Supporting, PP4.

CeGaT Center for Human Genetics Tuebingen
Classification: Likely pathogenic. Last evaluated: 2022-01-01. Review status: criteria provided, single submitter. Criteria: CeGaT Center For Human Genetics Tuebingen Variant Classification Criteria Version 2. Collection method: clinical testing. Allele origin: germline. Affected: yes. Observed: 1 variant allele.

Angelo Bianchi Bonomi Hemophilia and Thrombosis Center, Fondazione IRCCS Ca Granda Ospedale Maggiore Policlinico
Classification: Likely pathogenic for von Willebrand disease type 3. Last evaluated: 2020-11-01. Review status: no assertion criteria provided. Collection method: clinical testing. Allele origin: germline. Affected: yes. Study: Type 3 Von Willebrand International Registries Inhibitor Prospective Study (3WINTERS-IPS). Not counted in ClinVar's aggregate classification.
Comment: ClinGen Pathogenicity Calculator

Academic Unit of Haematology, University of Sheffield
No classification provided. Review status: no classification provided. Collection method: not provided. Allele origin: not provided. Not counted in ClinVar's aggregate classification.